The following is an entry in ClinVar:

NM_020975.6(RET):c.773T>G (p.Phe258Cys)

Gene: RET (ret proto-oncogene; plus strand). Cytogenetic location: 10q11.21.
Variant type: single nucleotide variant.
Coding change: c.773T>G on transcript NM_020975.6 (MANE Select); coding-DNA position 773, T replaced by G.
Protein change: p.Phe258Cys; replaces phenylalanine 258 with cysteine.
Molecular consequence: missense variant. On other transcripts: intron variant (22).
Genome position (GRCh38, 1-based): chr10:43,105,099, T>G. VCF-style: chr10-43105099-T-G. GRCh37 (hg19) VCF-style: chr10-43600547-T-G.
Other names: c.74-7000T>G (NM_001406793.1, NM_001406794.1, NM_001406792.1); c.11T>G, p.Phe4Cys (NM_001355216.2); c.773T>G, p.Phe258Cys (NM_001406743.1, NM_001406744.1, NM_001406759.1 and 6 more transcripts); c.644T>G, p.Phe215Cys (NM_001406761.1, NM_001406762.1, NM_001406764.1 and 2 more transcripts); c.485T>G, p.Phe162Cys (NM_001406766.1, NM_001406767.1, NM_001406770.1); c.625+2470T>G (NM_001406773.1, NM_001406771.1, NM_001406782.1 and 5 more transcripts); c.496+2470T>G (NM_001406786.1, NM_001406783.1); c.338-3932T>G (NM_001406778.1, NM_001406775.1, NM_001406776.1 and 1 more transcripts); and 2 more; short protein forms F162C, F4C, F215C, F258C.
Identifiers: ClinVar variation 3944701 (VCV003944701.1).

ClinVar aggregate classification (germline): Uncertain significance (1 of 4 stars; one submission).

Conditions:
Hereditary cancer-predisposing syndrome. Also called: Tumor predisposition; Hereditary neoplastic syndrome; Hereditary Cancer Syndrome; Neoplastic Syndromes, Hereditary. Identifiers: Orphanet 140162, MedGen C0027672, MeSH D009386, MONDO:0015356.

Submission:

Ambry Genetics
Classification: Uncertain significance for Hereditary cancer-predisposing syndrome. Last evaluated: 2025-05-05. Review status: criteria provided, single submitter. Criteria: Ambry Variant Classification Scheme 2023. Collection method: clinical testing. Allele origin: germline.
Comment: The p.F258C variant (also known as c.773T>G), located in coding exon 4 of the RET gene, results from a T to G substitution at nucleotide position 773. The phenylalanine at codon 258 is replaced by cysteine, an amino acid with highly dissimilar properties. This amino acid position is conserved. In addition, the in silico prediction for this alteration is inconclusive. Based on the available evidence, the clinical significance of this variant remains unclear.